The following is an entry in ClinVar:

ClinVar aggregate classification (germline): Uncertain significance (1 of 4 stars; one submission).

gnomAD v4.1: 1 of 1,609,624 alleles (0.000062%); highest among the groups gnomAD compares: Admixed American, 0.0017%; no homozygotes.

Submission:

Labcorp Genetics (formerly Invitae), Labcorp
Classification: Uncertain significance. Last evaluated: 2025-09-10. Review status: criteria provided, single submitter. Criteria: Invitae Variant Classification Sherloc (09022015). Collection method: clinical testing. Allele origin: germline.
Comment: This sequence change replaces leucine, which is neutral and non-polar, with isoleucine, which is neutral and non-polar, at codon 6 of the ACO2 protein (p.Leu6Ile). This variant is present in population databases (no rsID available, gnomAD 0.003%). This variant has not been reported in the literature in individuals affected with ACO2-related conditions. Invitae Evidence Modeling of protein sequence and biophysical properties (such as structural, functional, and spatial information, amino acid conservation, physicochemical variation, residue mobility, and thermodynamic stability) indicates that this missense variant is expected to disrupt ACO2 protein function with a positive predictive value of 95%. In summary, the available evidence is currently insufficient to determine the role of this variant in disease. Therefore, it has been classified as a Variant of Uncertain Significance.

NM_001098.3(ACO2):c.16C>A (p.Leu6Ile)

Gene: ACO2 (aconitase 2; plus strand). Cytogenetic location: 22q13.2.
Variant type: single nucleotide variant.
Coding change: c.16C>A on transcript NM_001098.3 (MANE Select); coding-DNA position 16, C replaced by A.
Protein change: p.Leu6Ile; replaces leucine 6 with isoleucine.
Molecular consequence: missense variant.
Genome position (GRCh38, 1-based): chr22:41,469,162, C>A. VCF-style: chr22-41469162-C-A. GRCh37 (hg19) VCF-style: chr22-41865166-C-A.
Other names: short protein forms L6I.
Identifiers: ClinVar variation 4803205 (VCV004803205.1).